The following is an entry in ClinVar:

ClinVar aggregate classification (germline): Pathogenic (1 of 4 stars; one submission).

Conditions:
Developmental and epileptic encephalopathy 113. Identifiers: MedGen C5935597, MONDO:0958330, OMIM 620772.

gnomAD v4.1: 3 of 1,614,144 alleles (0.00019%); highest among the groups gnomAD compares: Non-Finnish European, 0.00017%; no homozygotes.

Submission:

3billion
Classification: Pathogenic for Developmental and epileptic encephalopathy 113. Last evaluated: 2024-04-04. Review status: criteria provided, single submitter. Criteria: ACMG Guidelines, 2015. Collection method: clinical testing. Allele origin: germline. Affected: yes.
Comment: The variant is observed at an extremely low frequency in the gnomAD v4.0.0 dataset (total allele frequency: <0.001%). Predicted Consequence/Location: Stop-gained (nonsense): predicted to result in a loss or disruption of normal protein function through nonsense-mediated decay (NMD) or protein truncation. Multiple pathogenic variants are reported downstream of the variant. Therefore, this variant is classified as Likely pathogenic according to the recommendation of ACMG/AMP guideline.

NM_014849.5(SV2A):c.1519C>T (p.Arg507Ter)

Gene: SV2A (synaptic vesicle glycoprotein 2A; minus strand). Cytogenetic location: 1q21.2.
Variant type: single nucleotide variant.
Coding change: c.1519C>T on transcript NM_014849.5 (MANE Select); coding-DNA position 1519, C replaced by T.
Protein change: p.Arg507Ter; replaces arginine 507 with a stop codon.
Molecular consequence: nonsense.
Genome position (GRCh38, 1-based): chr1:149,908,067, G>A on the plus strand (C>T on the coding strand, the complement: SV2A is on the minus strand). VCF-style: chr1-149908067-G-A. GRCh37 (hg19) VCF-style: chr1-149879619-G-A.
Other names: c.1519C>T, p.Arg507Ter (NM_001328674.2, NM_001328675.2); short protein forms R507*.
Identifiers: ClinVar variation 3775209 (VCV003775209.1).